The following is an entry in ClinVar:

ClinVar aggregate classification (germline): Conflicting classifications of pathogenicity. Review status: criteria provided, conflicting classifications (1 of 4 stars). 2 submissions from 2 submitters: Likely pathogenic (1); Uncertain significance (1). Last evaluated 2023-09-12.

Conditions:
Neurofibromatosis, type 1 (NF1). Also called: Peripheral type neurofibromatosis; Neurofibromatosis, type I; VON RECKLINGHAUSEN DISEASE; NEUROFIBROMATOSIS, TYPE I, SOMATIC. Identifiers: Orphanet 636, MedGen C0027831, MONDO:0018975, OMIM 162200. Disease mechanism: loss of function.

Submissions (2):

Labcorp Genetics (formerly Invitae), Labcorp
Classification: Likely pathogenic for Neurofibromatosis, type 1. Last evaluated: 2023-09-12. Review status: criteria provided, single submitter. Criteria: Invitae Variant Classification Sherloc (09022015). Collection method: clinical testing. Allele origin: germline.
Comment: This sequence change replaces threonine, which is neutral and polar, with proline, which is neutral and non-polar, at codon 1709 of the NF1 protein (p.Thr1709Pro). This variant is not present in population databases (gnomAD no frequency). This missense change has been observed in individual(s) with neurofibromatosis type 1 (PMID: 35240321). ClinVar contains an entry for this variant (Variation ID: 2501613). Advanced modeling of protein sequence and biophysical properties (such as structural, functional, and spatial information, amino acid conservation, physicochemical variation, residue mobility, and thermodynamic stability) performed at Invitae indicates that this missense variant is expected to disrupt NF1 protein function. In summary, the currently available evidence indicates that the variant is pathogenic, but additional data are needed to prove that conclusively. Therefore, this variant has been classified as Likely Pathogenic.

GeneDx
Classification: Uncertain significance. Last evaluated: 2023-05-19. Review status: criteria provided, single submitter. Criteria: GeneDx Variant Classification Process June 2021. Collection method: clinical testing. Allele origin: germline. Affected: yes.
Comment: Not observed at significant frequency in large population cohorts (gnomAD); In silico analysis supports that this missense variant has a deleterious effect on protein structure/function; This variant is associated with the following publications: (PMID: 35240321)

Literature cited by the submitters: PubMed 35240321 (cited by Labcorp Genetics (formerly Invitae), Labcorp).

NM_001042492.3(NF1):c.5188A>C (p.Thr1730Pro)

Gene: NF1 (neurofibromin 1; plus strand). Cytogenetic location: 17q11.2.
Variant type: single nucleotide variant.
Coding change: c.5188A>C on transcript NM_001042492.3 (MANE Select); coding-DNA position 5188, A replaced by C.
Protein change: p.Thr1730Pro; replaces threonine 1730 with proline.
Molecular consequence: missense variant.
Genome position (GRCh38, 1-based): chr17:31,326,172, A>C. VCF-style: chr17-31326172-A-C. GRCh37 (hg19) VCF-style: chr17-29653190-A-C.
Other names: c.5125A>C, p.Thr1709Pro (NM_000267.4); short protein forms T1709P, T1730P.
Identifiers: ClinVar variation 2501613 (VCV002501613.5), dbSNP rs2151538847, ClinGen allele CA399008001.